The following is an entry in ClinVar:

NM_175634.3(RUNX1T1):c.991+5G>C

Gene: RUNX1T1 (RUNX1 partner transcriptional co-repressor 1; minus strand). Cytogenetic location: 8q21.3.
Variant type: single nucleotide variant.
Coding change: c.991+5G>C on transcript NM_175634.3 (MANE Select); 5 bases into the intron after coding-DNA position 991, G replaced by C.
Molecular consequence: intron variant.
Genome position (GRCh38, 1-based): chr8:91,991,634, C>G on the plus strand (G>C on the coding strand, the complement: RUNX1T1 is on the minus strand). VCF-style: chr8-91991634-C-G. GRCh37 (hg19) VCF-style: chr8-93003862-C-G.
Other names: c.880+5G>C (NM_175636.2, NM_175635.3); c.931+5G>C (NM_001198633.2); c.1075+5G>C (NM_001395209.1); c.991+5G>C (NM_001198628.2, NM_001198631.2, NM_001198626.2 and 3 more transcripts); c.1168+5G>C (NM_001198679.3); c.1024+5G>C (NM_001198634.2); c.910+5G>C (NM_001198625.2, NM_001198632.2, NM_004349.4).
Identifiers: ClinVar variation 4540302 (VCV004540302.1).

ClinVar aggregate classification (germline): Uncertain significance (1 of 4 stars; one submission).

Submission:

GeneDx
Classification: Uncertain significance. Last evaluated: 2025-06-23. Review status: criteria provided, single submitter. Criteria: GeneDx Variant Classification Process June 2021. Collection method: clinical testing. Allele origin: germline. Affected: yes.
Comment: Not observed at significant frequency in large population cohorts (gnomAD); In silico analysis supports a deleterious effect on splicing; Has not been previously published as pathogenic or benign to our knowledge